The following is an entry in ClinVar:

ClinVar aggregate classification (germline): Uncertain significance (1 of 4 stars; one submission).

gnomAD v4.1: 16 of 1,612,656 alleles (0.00099%); highest among the groups gnomAD compares: African/African-American, 0.0093%; no homozygotes.

Submission:

Women's Health and Genetics/Laboratory Corporation of America, LabCorp
Classification: Uncertain significance. Last evaluated: 2025-07-08. Review status: criteria provided, single submitter. Criteria: LabCorp Variant Classification Summary - May 2015. Collection method: clinical testing. Allele origin: germline.
Comment: Variant summary: TNXB c.5171G>A (p.Arg1724His) results in a non-conservative amino acid change in the encoded protein sequence. Algorithms developed to predict the effect of missense changes on protein structure and function are either unavailable or do not agree on the potential impact of this missense change. The variant allele was found at a frequency of 8e-06 in 248450 control chromosomes. The available data on variant occurrences in the general population are insufficient to allow any conclusion about variant significance. To our knowledge, no occurrence of c.5171G>A in individuals affected with Ehlers-Danlos syndrome due to tenascin-X deficiency and no experimental evidence demonstrating its impact on protein function have been reported. No submitters have cited clinical-significance assessments for this variant to ClinVar. Based on the evidence outlined above, the variant was classified as uncertain significance.

NM_001365276.2(TNXB):c.5171G>A (p.Arg1724His)

Gene: TNXB (tenascin XB; minus strand). Cytogenetic location: 6p21.33.
Variant type: single nucleotide variant.
Coding change: c.5171G>A on transcript NM_001365276.2 (MANE Select); coding-DNA position 5171, G replaced by A.
Protein change: p.Arg1724His; replaces arginine 1724 with histidine.
Molecular consequence: missense variant.
Genome position (GRCh38, 1-based): chr6:32,070,234, C>T on the plus strand (G>A on the coding strand, the complement: TNXB is on the minus strand). VCF-style: chr6-32070234-C-T. GRCh37 (hg19) VCF-style: chr6-32038011-C-T.
Other names: c.5912G>A, p.Arg1971His (NM_001428335.1); c.5171G>A, p.Arg1724His (NM_019105.8); short protein forms R1724H, R1971H.
Identifiers: ClinVar variation 4526086 (VCV004526086.1).